The following is an entry in ClinVar:

NM_001329943.3(KIAA0586):c.1529G>A (p.Arg510His)

Gene: KIAA0586 (KIAA0586; plus strand). Cytogenetic location: 14q23.1.
Variant type: single nucleotide variant.
Coding change: c.1529G>A on transcript NM_001329943.3 (MANE Select); coding-DNA position 1529, G replaced by A.
Protein change: p.Arg510His; replaces arginine 510 with histidine.
Molecular consequence: missense variant.
Genome position (GRCh38, 1-based): chr14:58,457,925, G>A. VCF-style: chr14-58457925-G-A. GRCh37 (hg19) VCF-style: chr14-58924643-G-A.
Other names: c.1688G>A, p.Arg563His (NM_001244189.2); c.1484G>A, p.Arg495His (NM_001244190.2); c.1274G>A, p.Arg425His (NM_001244191.2, NM_001329945.2, NM_001364700.1 and 1 more transcripts); c.1397G>A, p.Arg466His (NM_001244192.2); c.1109G>A, p.Arg370His (NM_001244193.2); c.1529G>A, p.Arg510His (NM_001329944.2, NM_001329946.2, NM_001329947.2 and 1 more transcripts); c.1529G>A (NM_014749.3); short protein forms R370H, R425H, R466H, R495H, R510H, R563H.
Identifiers: ClinVar variation 1062926 (VCV001062926.7), dbSNP rs749710241, ClinGen allele CA7205677.
Genomic context (GRCh38, chr14:58,457,925, plus strand): 5'-TTTTGAGAGGAGTACAAAACAATAAAAAAGTACTTGAAGAAAACCTGGAAGCTATTATTC[G>A]TGCAAAAGATGGAGCTGCCATGTATTCGCTTATCAATGCTTTATCTACCAACAGGTAAGA-3'
Protein context (NP_001316872.1, residues 500-520): VLEENLEAII[Arg510His]AKDGAAMYSL

ClinVar aggregate classification (germline): Uncertain significance. Review status: criteria provided, multiple submitters, no conflicts (2 of 4 stars). 2 submissions from 2 submitters: Uncertain significance (2). Last evaluated 2025-11-08.

Conditions:
Joubert syndrome 23 (JBTS23). Identifiers: Orphanet 475, MedGen C4084822, MONDO:0014664, OMIM 616490.
Short-rib thoracic dysplasia 14 with polydactyly (SRTD14). Identifiers: Orphanet 397715, MedGen C4225286, MONDO:0014688, OMIM 616546.
Inborn genetic diseases. Identifiers: MedGen C0950123, MeSH D030342.

Allele frequency attached by ClinVar (database versions not stated): TOPMed below 0.00001; gnomAD 0.00002; gnomAD exomes 0.00005; ExAC 0.00008.
gnomAD v4.1: 45 of 1,604,118 alleles (0.0028%); highest among the groups gnomAD compares: South Asian, 0.024%; no homozygotes.

Submissions (2):

Ambry Genetics
Classification: Uncertain significance for Inborn genetic diseases. Last evaluated: 2025-11-08. Review status: criteria provided, single submitter. Criteria: Ambry Variant Classification Scheme 2023. Collection method: clinical testing. Allele origin: germline.

Labcorp Genetics (formerly Invitae), Labcorp
Classification: Uncertain significance for Joubert syndrome 23; Short-rib thoracic dysplasia 14 with polydactyly. Last evaluated: 2024-12-02. Review status: criteria provided, single submitter. Criteria: Invitae Variant Classification Sherloc (09022015). Collection method: clinical testing. Allele origin: germline.
Comment: This sequence change replaces arginine, which is basic and polar, with histidine, which is basic and polar, at codon 563 of the KIAA0586 protein (p.Arg563His). The frequency data for this variant in the population databases is considered unreliable, as metrics indicate poor data quality at this position in the gnomAD database. This variant has not been reported in the literature in individuals affected with KIAA0586-related conditions. ClinVar contains an entry for this variant (Variation ID: 1062926). Invitae Evidence Modeling of protein sequence and biophysical properties (such as structural, functional, and spatial information, amino acid conservation, physicochemical variation, residue mobility, and thermodynamic stability) indicates that this missense variant is not expected to disrupt KIAA0586 protein function with a negative predictive value of 80%. In summary, the available evidence is currently insufficient to determine the role of this variant in disease. Therefore, it has been classified as a Variant of Uncertain Significance.